The following is an entry in ClinVar:

NM_001127222.2(CACNA1A):c.6367C>T (p.Arg2123Cys)

Gene: CACNA1A (calcium voltage-gated channel subunit alpha1 A; minus strand). Cytogenetic location: 19p13.13.
Variant type: single nucleotide variant.
Coding change: c.6367C>T on transcript NM_001127222.2 (MANE Select); coding-DNA position 6367, C replaced by T.
Protein change: p.Arg2123Cys; replaces arginine 2123 with cysteine.
Molecular consequence: missense variant.
Genome position (GRCh38, 1-based): chr19:13,209,471, G>A on the plus strand (C>T on the coding strand, the complement: CACNA1A is on the minus strand). VCF-style: chr19-13209471-G-A. GRCh37 (hg19) VCF-style: chr19-13320285-G-A.
Other names: c.6385C>T, p.Arg2129Cys (NM_000068.4, NM_023035.3); c.6370C>T, p.Arg2124Cys (NM_001127221.2); c.6376C>T, p.Arg2126Cys (NM_001174080.2); short protein forms R2129C, R2126C, R2123C, R2124C.
Identifiers: ClinVar variation 653864 (VCV000653864.10), dbSNP rs1255940553, ClinGen allele CA404331099.

ClinVar aggregate classification (germline): Uncertain significance. Review status: criteria provided, multiple submitters, no conflicts (2 of 4 stars). 2 submissions from 2 submitters: Uncertain significance (2). Last evaluated 2023-09-22.

Conditions:
Developmental and epileptic encephalopathy, 42 (DEE42A). Also called: Epileptic encephalopathy, early infantile, 42; DEVELOPMENTAL AND EPILEPTIC ENCEPHALOPATHY 42A; EPILEPTIC ENCEPHALOPATHY, EARLY INFANTILE, 42A. Identifiers: MedGen C4310716, MONDO:0014917, OMIM 617106.
Episodic ataxia type 2 (EA2). Also called: CEREBELLAR ATAXIA, PAROXYSMAL, ACETAZOLAMIDE-RESPONSIVE; CEREBELLOPATHY, HEREDITARY PAROXYSMAL; EPISODIC ATAXIA, NYSTAGMUS-ASSOCIATED; ATAXIA, EPISODIC, WITH NYSTAGMUS; ATAXIA, FAMILIAL PAROXYSMAL; ACETAZOLAMIDE-RESPONSIVE HEREDITARY PAROXYSMAL CEREBELLAR ATAXIA. Identifiers: Orphanet 97, MedGen C1720416, MONDO:0007163, OMIM 108500.
Inborn genetic diseases. Identifiers: MedGen C0950123, MeSH D030342.

gnomAD v4.1: 2 of 1,346,122 alleles (0.00015%); highest among the groups gnomAD compares: Non-Finnish European, 0.00019%; no homozygotes.

Submissions (2):

Ambry Genetics
Classification: Uncertain significance for Inborn genetic diseases. Last evaluated: 2023-09-22. Review status: criteria provided, single submitter. Criteria: Ambry Variant Classification Scheme 2023. Collection method: clinical testing. Allele origin: germline.

Labcorp Genetics (formerly Invitae), Labcorp
Classification: Uncertain significance for Developmental and epileptic encephalopathy, 42; Episodic ataxia type 2. Last evaluated: 2018-08-30. Review status: criteria provided, single submitter. Criteria: Invitae Variant Classification Sherloc (09022015). Collection method: clinical testing. Allele origin: germline.
Comment: This sequence change replaces arginine with cysteine at codon 2124 of the CACNA1A protein (p.Arg2124Cys). The arginine residue is highly conserved and there is a large physicochemical difference between arginine and cysteine. The frequency data for this variant in the population databases is considered unreliable, as metrics indicate insufficient coverage at this position in the ExAC database. This variant has not been reported in the literature in individuals with CACNA1A-related disease. Algorithms developed to predict the effect of missense changes on protein structure and function are either unavailable or do not agree on the potential impact of this missense change (SIFT: "Deleterious"; PolyPhen-2: "Benign"; Align-GVGD: "Class C0"). In summary, the available evidence is currently insufficient to determine the role of this variant in disease. Therefore, it has been classified as a Variant of Uncertain Significance.